The following is an entry in ClinVar:

NM_001267550.2(TTN):c.4679A>G (p.Glu1560Gly)

Genes: TTN (titin; minus strand), LOC101927055 (uncharacterized LOC101927055; plus strand). Cytogenetic location: 2q31.2.
Variant type: single nucleotide variant.
Coding change: c.4679A>G on transcript NM_001267550.2 (MANE Select); coding-DNA position 4679, A replaced by G.
Protein change: p.Glu1560Gly; replaces glutamic acid 1560 with glycine.
Molecular consequence: missense variant. On other transcripts: non-coding transcript variant (1).
Genome position (GRCh38, 1-based): chr2:178,777,284, T>C on the plus strand (A>G on the coding strand, the complement: TTN is on the minus strand). VCF-style: chr2-178777284-T-C. GRCh37 (hg19) VCF-style: chr2-179642011-T-C.
Other names: p.Glu1560Gly; c.4679A>G, p.Glu1560Gly (NM_001256850.1, NM_133378.4, NM_133379.5); c.4541A>G, p.Glu1514Gly (NM_003319.4, NM_133432.3, NM_133437.4); short protein forms E1514G, E1560G.
Identifiers: ClinVar variation 2682796 (VCV002682796.1), dbSNP rs2532932398, ClinGen allele CA349462770.

ClinVar aggregate classification (germline): Uncertain significance (1 of 4 stars; one submission).

Submission:

Mayo Clinic Laboratories, Mayo Clinic
Classification: Uncertain significance. Last evaluated: 2023-04-18. Review status: criteria provided, single submitter. Criteria: ACMG Guidelines, 2015. Collection method: clinical testing. Allele origin: germline. Observed: 1 variant allele.
Comment: PM2